The following is an entry in ClinVar:

ClinVar aggregate classification (germline): Likely benign (1 of 4 stars; one submission).

Conditions:
Glycogen storage disease, type II (IOPD). Also called: Pompe Disease; CARDIOMEGALIA GLYCOGENICA DIFFUSA; GLYCOGENOSIS, GENERALIZED, CARDIAC FORM; GSD II; POMPE DISEASE, INFANTILE-ONSET; GLYCOGEN STORAGE DISEASE II, INFANTILE-ONSET. Identifiers: Orphanet 365, MedGen C0017921, MONDO:0009290, OMIM 232300.

Submission:

Genomenon, Inc
Classification: Likely benign for Glycogen storage disease, type II. Last evaluated: 2026-07-01. Review status: criteria provided, single submitter. Criteria: Genomenon Sequence Variant Interpretation Standards - Updated. Collection method: curation. Allele origin: germline. Affected: no.
Comment: GAA c.693-216T>A is an intronic variant located in intron 3. This variant has been reported in the published literature (PMID:33560568). It is absent or not present at a significant frequency in gnomAD. This variant is not predicted to impact splicing. In conclusion, we classify GAA c.693-216T>A as a likely benign variant.

Literature cited by the submitters: PubMed 33560568.

NM_000152.5(GAA):c.693-216T>A

Gene: GAA (alpha glucosidase; plus strand). Cytogenetic location: 17q25.3.
Variant type: single nucleotide variant.
Coding change: c.693-216T>A on transcript NM_000152.5 (MANE Select); 216 bases into the intron before coding-DNA position 693, T replaced by A.
Molecular consequence: intron variant.
Genome position (GRCh38, 1-based): chr17:80,107,341, T>A. VCF-style: chr17-80107341-T-A. GRCh37 (hg19) VCF-style: chr17-78081140-T-A.
Other names: c.693-216T>A (NM_001406741.1, NM_001406742.1, NM_001079803.3 and 1 more transcripts).
Identifiers: ClinVar variation 4876413 (VCV004876413.1).